The following is an entry in ClinVar:

ClinVar aggregate classification (germline): Uncertain significance. Review status: criteria provided, single submitter (1 of 4 stars). 2 submissions from 2 submitters: Uncertain significance (1). 1 of the submissions does not count toward it. Last evaluated 2025-06-10.

Conditions:
Inborn genetic diseases. Identifiers: MedGen C0950123, MeSH D030342.

Allele frequency attached by ClinVar (database versions not stated): gnomAD 0.00003 and 0.00002; TOPMed 0.00002; ExAC 0.00002.

Submissions (2):

Ambry Genetics
Classification: Uncertain significance for Inborn genetic diseases. Last evaluated: 2025-06-10. Review status: criteria provided, single submitter. Criteria: Ambry Variant Classification Scheme 2023. Collection method: clinical testing. Allele origin: germline.

Department of Pathology and Laboratory Medicine, Sinai Health System
Classification: Uncertain significance. Review status: no assertion criteria provided. Collection method: clinical testing. Allele origin: unknown. Affected: yes. Study: The Canadian Open Genetics Repository (COGR). Not counted in ClinVar's aggregate classification.
Comment: The GJA8 p.Thr87Ala variant was not identified in the literature nor was it identified in ClinVar or LOVD 3.0. The variant was identified in dbSNP (ID: rs782569623) and in control databases in 7 of 251422 chromosomes at a frequency of 0.00002784 (Genome Aggregation Database March 6, 2019, v2.1.1). The variant was observed in the following populations: South Asian in 5 of 30616 chromosomes (freq: 0.000163) and European (non-Finnish) in 2 of 113718 chromosomes (freq: 0.000018), but was not observed in the African, Latino, Ashkenazi Jewish, East Asian, European (Finnish), or Other populations. The p.Thr87 residue is conserved across mammals and other organisms, and four out of five computational analyses (PolyPhen-2, SIFT, AlignGVGD, BLOSUM, MutationTaster) suggest that the variant may impact the protein; however, this information is not predictive enough to assume pathogenicity. The variant occurs outside of the splicing consensus sequence and in silico or computational prediction software programs (SpliceSiteFinder, MaxEntScan, NNSPLICE, GeneSplicer) do not predict a difference in splicing. In summary, based on the above information the clinical significance of this variant cannot be determined with certainty at this time. This variant is classified as a variant of uncertain significance.

NM_005267.5(GJA8):c.259A>G (p.Thr87Ala)

Gene: GJA8 (gap junction protein alpha 8; plus strand). Cytogenetic location: 1q21.2.
Variant type: single nucleotide variant.
Coding change: c.259A>G on transcript NM_005267.5 (MANE Select); coding-DNA position 259, A replaced by G.
Protein change: p.Thr87Ala; replaces threonine 87 with alanine.
Molecular consequence: missense variant.
Genome position (GRCh38, 1-based): chr1:147,908,214, A>G. VCF-style: chr1-147908214-A-G. GRCh37 (hg19) VCF-style: chr1-147380341-A-G.
Other names: c.259A>G (NM_005267.4); short protein forms T87A.
Identifiers: ClinVar variation 1049376 (VCV001049376.2), dbSNP rs782569623, ClinGen allele CA1065896.
Genomic context (GRCh38, chr1:147,908,214, plus strand): 5'-GACGAGGCCTTTCCCATCTCCCACATTCGCCTCTGGGTGCTGCAGATCATCTTCGTCTCC[A>G]CCCCGTCCCTGATGTACGTGGGGCACGCGGTGCACTACGTCCGCATGGAGGAGAAGCGCA-3'
Protein context (NP_005258.2, residues 77-97): LWVLQIIFVS[Thr87Ala]PSLMYVGHAV